The following is an entry in ClinVar:

NM_002101.5(GYPC):c.154T>C (p.Ser52Pro)

Gene: GYPC (glycophorin C (Gerbich blood group); plus strand). Cytogenetic location: 2q14.3.
Variant type: single nucleotide variant.
Coding change: c.154T>C on transcript NM_002101.5 (MANE Select); coding-DNA position 154, T replaced by C.
Protein change: p.Ser52Pro; replaces serine 52 with proline.
Molecular consequence: missense variant.
Genome position (GRCh38, 1-based): chr2:126,693,911, T>C. VCF-style: chr2-126693911-T-C. GRCh37 (hg19) VCF-style: chr2-127451487-T-C.
Other names: p.Ser52Pro; c.91T>C, p.Ser31Pro (NM_001256584.2); c.97T>C, p.Ser33Pro (NM_016815.4); short protein forms S31P, S33P, S52P.
Identifiers: ClinVar variation 3380831 (VCV003380831.1).

ClinVar aggregate classification (germline): Uncertain significance (1 of 4 stars; one submission).

gnomAD v4.1: 8 of 1,612,202 alleles (0.0005%); highest among the groups gnomAD compares: Admixed American, 0.01%; no homozygotes.

Submission:

Mayo Clinic Laboratories, Mayo Clinic
Classification: Uncertain significance. Last evaluated: 2023-10-03. Review status: criteria provided, single submitter. Criteria: ACMG Guidelines, 2015. Collection method: clinical testing. Allele origin: germline. Observed: 1 variant allele.
Comment: BP4, PM2_moderate